The following is an entry in ClinVar:

ClinVar aggregate classification (germline): Pathogenic (1 of 4 stars; one submission).

Submission:

Quest Diagnostics Nichols Institute San Juan Capistrano
Classification: Pathogenic. Last evaluated: 2022-09-29. Review status: criteria provided, single submitter. Criteria: ACMG/ClinGen CNV Guidelines, 2019. Collection method: clinical testing. Allele origin: unknown.
Comment: The copy number loss of 12p12.1 includes several exons of SOX5 (OMIM 604975). Haploinsufficiency of SOX5 is associated with the autosomal dominant Lamb-Shaffer syndrome (OMIM 616803; Rehm et al., N Engl J Med. 2015 Jun 4;372(23):2235-42. PMID: 26014595 (HGNC:11201)). There are no similar copy number losses of this region in the general populations of the Database of Genomic Variants. Thus, based on current medical literature and gene content, this copy number variant (CNV) is interpreted as pathogenic.

GRCh37/hg19 12p12.1(chr12:23594097-23768820)x1

Gene: SOX5 (SRY-box transcription factor 5; minus strand). Cytogenetic location: 12p12.1.
Variant type: copy number loss.
Change: copy number 1 (one copy instead of two) of chr12:23,594,097-23,768,820 (174.7 kb, GRCh37 coordinates, 1-based), cytogenetic band 12p12.1.
Identifiers: ClinVar variation 2685435 (VCV002685435.1).